The following is an entry in ClinVar:

NM_004281.4(BAG3):c.-1C>T

Gene: BAG3 (BAG cochaperone 3; plus strand). Cytogenetic location: 10q26.11.
Variant type: single nucleotide variant.
Coding change: c.-1C>T on transcript NM_004281.4 (MANE Select); 1 bases upstream of the start codon, C replaced by T.
Molecular consequence: 5 prime UTR variant.
Genome position (GRCh38, 1-based): chr10:119,651,675, C>T. VCF-style: chr10-119651675-C-T. GRCh37 (hg19) VCF-style: chr10-121411187-C-T.
Identifiers: ClinVar variation 3384447 (VCV003384447.2).
Genomic context (GRCh38, chr10:119,651,675, plus strand): 5'-GACTCGGCGCCCGGAGCCAGCGCCCCGCACCCGCGCCCCAGCGGGCAGACCCCAACCCAG[C>T]ATGAGCGCCGCCACCCACTCGCCCATGATGCAGGTGGCGTCCGGCAACGGTGACCGCGAC-3'

ClinVar aggregate classification (germline): Uncertain significance. Review status: criteria provided, multiple submitters, no conflicts (2 of 4 stars). 2 submissions from 2 submitters: Uncertain significance (2). Last evaluated 2026-05-20.

Conditions:
Cardiovascular phenotype. Identifiers: MedGen CN230736.

gnomAD v4.1: 1 of 1,578,740 alleles (0.000063%); highest among the groups gnomAD compares: Non-Finnish European, 0.000086%; no homozygotes.

Submissions (2):

Ambry Genetics
Classification: Uncertain significance for Cardiovascular phenotype. Last evaluated: 2026-05-20. Review status: criteria provided, single submitter. Criteria: Ambry Variant Classification Scheme 2023. Collection method: clinical testing. Allele origin: germline.
Comment: The c.-1C>T variant is located in the 5' untranslated region (5&rsquo; UTR) of the BAG3 gene. This variant results from a C to T substitution 1 bases upstream from the first translated codon. This nucleotide position is highly conserved in available vertebrate species. Based on the available evidence, the clinical significance of this variant remains unclear.

GeneDx
Classification: Uncertain significance. Last evaluated: 2024-05-29. Review status: criteria provided, single submitter. Criteria: GeneDx Variant Classification Process June 2021. Collection method: clinical testing. Allele origin: germline. Affected: yes.
Comment: Not observed at significant frequency in large population cohorts (gnomAD); Nucleotide is not conserved across species and the substitution has no predicted effect on splicing; Has not been previously published as pathogenic or benign to our knowledge; Alters the Kozak sequence, which plays a major role in the initiation of translation